The following is an entry in ClinVar:

NM_020884.7(MYH7B):c.121C>G (p.Gln41Glu)

Gene: MYH7B (myosin heavy chain 7B; plus strand). Cytogenetic location: 20q11.22.
Variant type: single nucleotide variant.
Coding change: c.121C>G on transcript NM_020884.7 (MANE Select); coding-DNA position 121, C replaced by G.
Protein change: p.Gln41Glu; replaces glutamine 41 with glutamic acid.
Molecular consequence: missense variant.
Genome position (GRCh38, 1-based): chr20:34,979,419, C>G. VCF-style: chr20-34979419-C-G. GRCh37 (hg19) VCF-style: chr20-33567222-C-G.
Other names: short protein forms Q41E.
Identifiers: ClinVar variation 2971231 (VCV002971231.3), dbSNP rs200981858, ClinGen allele CA9826314.

ClinVar aggregate classification (germline): Uncertain significance (1 of 4 stars; one submission).

Allele frequency attached by ClinVar (database versions not stated): ExAC 0.00001; gnomAD 0.00004; TOPMed 0.00006.
gnomAD v4.1: 33 of 1,613,824 alleles (0.002%); highest among the groups gnomAD compares: Middle Eastern, 0.017%; no homozygotes.

Submission:

Labcorp Genetics (formerly Invitae), Labcorp
Classification: Uncertain significance. Last evaluated: 2024-11-18. Review status: criteria provided, single submitter. Criteria: Invitae Variant Classification Sherloc (09022015). Collection method: clinical testing. Allele origin: germline.
Comment: This sequence change replaces glutamine, which is neutral and polar, with glutamic acid, which is acidic and polar, at codon 83 of the MYH7B protein (p.Gln83Glu). This variant is present in population databases (rs200981858, gnomAD 0.004%). This variant has not been reported in the literature in individuals affected with MYH7B-related conditions. ClinVar contains an entry for this variant (Variation ID: 2971231). Invitae Evidence Modeling of protein sequence and biophysical properties (such as structural, functional, and spatial information, amino acid conservation, physicochemical variation, residue mobility, and thermodynamic stability) indicates that this missense variant is not expected to disrupt MYH7B protein function with a negative predictive value of 80%. In summary, the available evidence is currently insufficient to determine the role of this variant in disease. Therefore, it has been classified as a Variant of Uncertain Significance.